The following is an entry in ClinVar:

NM_021625.5(TRPV4):c.649G>T (p.Ala217Ser)

Gene: TRPV4 (transient receptor potential cation channel subfamily V member 4; minus strand). Cytogenetic location: 12q24.11.
Variant type: single nucleotide variant.
Coding change: c.649G>T on transcript NM_021625.5 (MANE Select); coding-DNA position 649, G replaced by T.
Protein change: p.Ala217Ser; replaces alanine 217 with serine.
Molecular consequence: missense variant.
Genome position (GRCh38, 1-based): chr12:109,803,054, C>A on the plus strand (G>T on the coding strand, the complement: TRPV4 is on the minus strand). VCF-style: chr12-109803054-C-A. GRCh37 (hg19) VCF-style: chr12-110240859-C-A.
Other names: c.649G>T, p.Ala217Ser (NM_001177428.2, NM_001177433.2, NM_147204.3); c.547G>T, p.Ala183Ser (NM_001177431.2); short protein forms A217S, A183S.
Identifiers: ClinVar variation 126480 (VCV000126480.45), dbSNP rs187864727, ClinGen allele CA347739.
Genomic context (GRCh38, chr12:109,803,054, plus strand): 5'-GATAGTAGATGTCACGGAAGGGCGAGTTAATGAACTCCCTCATGTTGCCGGTGCGCTCCG[C>A]GATGTCCAGCAGCACAGGGATGGTGTCGTTGCGGCCATTGCTCAGGTTCAGCAAGGCCTT-3'
Protein context (NP_067638.3, residues 207-227): NDTIPVLLDI[Ala217Ser]ERTGNMREFI

ClinVar aggregate classification (germline): Benign/Likely benign. Review status: criteria provided, multiple submitters, no conflicts (2 of 4 stars). 21 submissions from 16 submitters: Benign (17); Likely benign (1). 3 of the submissions do not count toward it. Last evaluated 2026-02-02.

Conditions:
TRPV4-related disorder. Also called: TRPV4-related condition; TRPV4-related disorders.
Connective tissue disorder. Also called: Connective tissue disease. Identifiers: MedGen C0009782, MONDO:0003900.
Neuromuscular disease. Also called: Neuromyopathy; Neuromuscular disorder. Identifiers: Orphanet 68381, MedGen C0027868, MeSH D009468, MONDO:0019056.
Skeletal dysplasia. Also called: Primary bone dysplasia. Identifiers: Orphanet 364526, MedGen C0410528, MONDO:0018230, HP:0002652.
Charcot-Marie-Tooth disease. Also called: Charcot-Marie-Tooth Neuropathy; Charcot-Marie-Tooth Hereditary Neuropathy. Identifiers: Orphanet 166, MedGen C0007959, MONDO:0015626.
Scapuloperoneal spinal muscular atrophy (SPSMA). Also called: Scapuloperoneal spinal muscular atrophy, autosomal dominant; AMYOTROPHY, NEUROGENIC SCAPULOPERONEAL, NEW ENGLAND TYPE; Scapuloperoneal Form of Spinal Muscular Atrophy; Scapuloperoneal Spinal Muscular Atrophy, TRPV4-Related. Identifiers: Orphanet 431255, MedGen C0751335, MONDO:0008408, OMIM 181405.
Neuronopathy, distal hereditary motor, autosomal dominant 8. Also called: SPINAL MUSCULAR ATROPHY, CONGENITAL BENIGN, WITH CONTRACTURES; NEURONOPATHY, DISTAL HEREDITARY MOTOR, TYPE VIII; NEUROPATHY, DISTAL HEREDITARY MOTOR, TYPE VIII; Autosomal dominant congenital benign spinal muscular atrophy. Identifiers: Orphanet 1216, MedGen C1838492, MONDO:0010839, OMIM 600175.
Charcot-Marie-Tooth disease axonal type 2C (HMSN2C). Also called: CHARCOT-MARIE-TOOTH DISEASE, AXONAL, AUTOSOMAL DOMINANT, TYPE 2C; Charcot-Marie-Tooth Neuropathy Type 2C; Charcot-Marie-Tooth Disease Type 2, TRPV4-Related (CMT2C). Identifiers: Orphanet 99937, MedGen C1853710, MONDO:0011633, OMIM 606071.
Spondylometaphyseal dysplasia, Kozlowski type (SMDK). Also called: Dysmorphism arthrogryposis skeletal maturation advanced; Jequier-Kozlowski syndrome; Skeletal dysplasia Jequier-Kozlowski type; SMD Kozlowski type; Spondylometaphyseal Dysplasia, TRPV4-Related (Kozlowski Type). Identifiers: Orphanet 93314, MedGen C0265280, MONDO:0008477, OMIM 184252.
Brachyrachia (short spine dysplasia) (BCYM3). Also called: Brachyolmia Type 3; BRACHYRACHIA; Autosomal dominant brachyolmia; Brachyolmia, TRPV4-Related. Identifiers: Orphanet 93304, MedGen C0432227, MONDO:0007232, OMIM 113500.
Metatropic dysplasia (MTD). Also called: Metatropic dysplasia, nonlethal dominant; Metatropic Dysplasia, TRPV4-Related; METATROPIC DWARFISM. Identifiers: Orphanet 2635, MedGen C0265281, MONDO:0007986, OMIM 156530.

Allele frequency attached by ClinVar (database versions not stated): ESP Exome Variant Server 0.00008; TOPMed 0.00998; gnomAD 0.00172; 1000 Genomes Project 0.01278; 1000 Genomes Project 30x 0.01405.
gnomAD v4.1: 4,268 of 1,614,162 alleles (0.26%); highest among the groups gnomAD compares: Admixed American, 6.7%; 178 homozygotes.

Submissions (21):

Labcorp Genetics (formerly Invitae), Labcorp
Classification: Benign for Charcot-Marie-Tooth disease axonal type 2C. Last evaluated: 2026-02-02. Review status: criteria provided, single submitter. Criteria: Invitae Variant Classification Sherloc (09022015). Collection method: clinical testing. Allele origin: germline.

ARUP Laboratories, Molecular Genetics and Genomics, ARUP Laboratories
Classification: Benign. Last evaluated: 2025-05-08. Review status: criteria provided, single submitter. Criteria: ARUP Molecular Germline Variant Investigation Process 2024. Collection method: clinical testing. Allele origin: germline.

Athena Diagnostics
Classification: Benign. Last evaluated: 2024-05-21. Review status: criteria provided, single submitter. Criteria: Athena Diagnostics Criteria. Collection method: clinical testing. Allele origin: unknown.

Mayo Clinic Laboratories, Mayo Clinic
Classification: Benign. Last evaluated: 2023-01-05. Review status: criteria provided, single submitter. Criteria: ACMG Guidelines, 2015. Collection method: clinical testing. Allele origin: germline. Observed: 11 variant alleles.

Genome Diagnostics Laboratory, The Hospital for Sick Children
Classification: Benign for Connective tissue disorder. Last evaluated: 2021-07-28. Review status: criteria provided, single submitter. Criteria: ACMG Guidelines, 2015. Collection method: clinical testing. Allele origin: germline.

Mendelics
Classification: Benign for Charcot-Marie-Tooth disease axonal type 2C. Last evaluated: 2019-05-28. Review status: criteria provided, single submitter. Criteria: Mendelics Assertion Criteria 2017. Collection method: clinical testing. Allele origin: unknown.

GeneDx
Classification: Benign. Last evaluated: 2018-11-08. Review status: criteria provided, single submitter. Criteria: GeneDx Variant Classification Process June 2021. Collection method: clinical testing. Allele origin: germline. Affected: yes.
Comment: This variant is associated with the following publications: (PMID: 27535533, 22419508)

Illumina Laboratory Services, Illumina
Classification: Benign for Scapuloperoneal spinal muscular atrophy. Last evaluated: 2017-04-27. Review status: criteria provided, single submitter. Criteria: ICSL Variant Classification Criteria 13 December 2019. Collection method: clinical testing. Allele origin: germline.
Comment: This variant was observed as part of a predisposition screen in an ostensibly healthy population. A literature search was performed for the gene, cDNA change, and amino acid change (where applicable). No publications were found based on this search. Allele frequency data from public databases was too high to be consistent with this variant causing disease. Therefore, this variant is classified as benign.

Illumina Laboratory Services, Illumina
Classification: Benign for Neuronopathy, distal hereditary motor, autosomal dominant 8. Last evaluated: 2017-04-27. Review status: criteria provided, single submitter. Criteria: ICSL Variant Classification Criteria 13 December 2019. Collection method: clinical testing. Allele origin: germline.
Comment: the same text as in the submission from Illumina Laboratory Services, Illumina above.

Illumina Laboratory Services, Illumina
Classification: Benign for Spondylometaphyseal dysplasia, Kozlowski type. Last evaluated: 2017-04-27. Review status: criteria provided, single submitter. Criteria: ICSL Variant Classification Criteria 13 December 2019. Collection method: clinical testing. Allele origin: germline.
Comment: the same text as in the submission from Illumina Laboratory Services, Illumina above.

Illumina Laboratory Services, Illumina
Classification: Benign for Metatropic dysplasia. Last evaluated: 2017-04-27. Review status: criteria provided, single submitter. Criteria: ICSL Variant Classification Criteria 13 December 2019. Collection method: clinical testing. Allele origin: germline.
Comment: the same text as in the submission from Illumina Laboratory Services, Illumina above.

Illumina Laboratory Services, Illumina
Classification: Benign for Charcot-Marie-Tooth disease axonal type 2C. Last evaluated: 2017-04-27. Review status: criteria provided, single submitter. Criteria: ICSL Variant Classification Criteria 13 December 2019. Collection method: clinical testing. Allele origin: germline.
Comment: the same text as in the submission from Illumina Laboratory Services, Illumina above.

Illumina Laboratory Services, Illumina
Classification: Benign for Brachyrachia (short spine dysplasia). Last evaluated: 2017-04-27. Review status: criteria provided, single submitter. Criteria: ICSL Variant Classification Criteria 13 December 2019. Collection method: clinical testing. Allele origin: germline.
Comment: the same text as in the submission from Illumina Laboratory Services, Illumina above.

Eurofins Ntd Llc (ga)
Classification: Benign. Last evaluated: 2017-04-14. Review status: criteria provided, single submitter. Criteria: EGL Classification Definitions 2015. Collection method: clinical testing. Allele origin: germline. Observed: 6 variant alleles, 5 heterozygotes.

Center for Pediatric Genomic Medicine, Children's Mercy Hospital and Clinics
Classification: Benign. Last evaluated: 2017-03-07. Review status: criteria provided, single submitter. Criteria: ACMG Guidelines, 2015. Collection method: clinical testing. Allele origin: germline.

Breakthrough Genomics
Classification: Likely benign. Review status: criteria provided, single submitter. Criteria: ACMG Guidelines, 2015. Collection method: not provided. Allele origin: germline. Inheritance: Autosomal dominant inheritance. Affected: yes.

Broad Center for Mendelian Genomics, Broad Institute of MIT and Harvard
Classification: Benign for Charcot-Marie-Tooth disease axonal type 2C. Review status: criteria provided, single submitter. Criteria: ACMG Guidelines, 2015. Collection method: research. Allele origin: germline. Inheritance: Autosomal dominant inheritance. Affected: yes.
Comment: In summary, this variant meets criteria to be classified as benign for autosomal dominant skeletal dysplasia and peripheral neuropathy.

Molecular Genetics Laboratory, London Health Sciences Centre
Classification: Benign for Charcot-Marie-Tooth disease. Review status: criteria provided, single submitter. Criteria: ACMG Guidelines, 2015. Collection method: clinical testing. Allele origin: germline. Affected: yes.

PreventionGenetics, part of Exact Sciences
Classification: Benign for TRPV4-related condition. Last evaluated: 2020-01-21. Review status: no assertion criteria provided. Collection method: clinical testing. Allele origin: germline. Not counted in ClinVar's aggregate classification.
Comment: This variant is classified as benign based on ACMG/AMP sequence variant interpretation guidelines (Richards et al. 2015 PMID: 25741868, with internal and published modifications).

GeneReviews
No classification provided. Condition: Neuromuscular disease; Skeletal dysplasia. Review status: no classification provided. Collection method: literature only. Allele origin: germline. Affected: yes. Not counted in ClinVar's aggregate classification.

Inherited Neuropathy Consortium
Classification: Uncertain significance for Charcot-Marie-Tooth disease. Review status: no assertion criteria provided. Collection method: literature only. Allele origin: germline. Affected: yes. Not counted in ClinVar's aggregate classification.

Literature cited by the submitters: PubMed 22419508 (cited by 3 submitters); NCBI Bookshelf NBK201366 (cited by GeneReviews).